The following is an entry in ClinVar:

NM_014159.7(SETD2):c.7529G>A (p.Arg2510His)

Gene: SETD2 (SET domain containing 2, histone lysine methyltransferase; minus strand). Cytogenetic location: 3p21.31.
Variant type: single nucleotide variant.
Coding change: c.7529G>A on transcript NM_014159.7 (MANE Select); coding-DNA position 7529, G replaced by A.
Protein change: p.Arg2510His; replaces arginine 2510 with histidine.
Molecular consequence: missense variant. On other transcripts: non-coding transcript variant (1).
Genome position (GRCh38, 1-based): chr3:47,017,642, C>T on the plus strand (G>A on the coding strand, the complement: SETD2 is on the minus strand). VCF-style: chr3-47017642-C-T. GRCh37 (hg19) VCF-style: chr3-47059132-C-T.
Other names: c.7397G>A, p.Arg2466His (NM_001349370.3); short protein forms R2466H, R2510H.
Identifiers: ClinVar variation 3369546 (VCV003369546.1).

ClinVar aggregate classification (germline): Uncertain significance (1 of 4 stars; one submission).

Submission:

GeneDx
Classification: Uncertain significance. Last evaluated: 2024-02-20. Review status: criteria provided, single submitter. Criteria: GeneDx Variant Classification Process June 2021. Collection method: clinical testing. Allele origin: germline. Affected: yes.
Comment: Not observed at significant frequency in large population cohorts (gnomAD); In silico analysis supports that this missense variant has a deleterious effect on protein structure/function; This variant is associated with the following publications: (PMID: 34264285, 29724720, 27528607, 36684483, 34014281, 36052643, 34157286, 27518565)